The following is an entry in ClinVar:

NM_002709.3(PPP1CB):c.707A>G (p.Asn236Ser)

Gene: PPP1CB (protein phosphatase 1 catalytic subunit beta; plus strand). Cytogenetic location: 2p23.2.
Variant type: single nucleotide variant.
Coding change: c.707A>G on transcript NM_002709.3 (MANE Select); coding-DNA position 707, A replaced by G.
Protein change: p.Asn236Ser; replaces asparagine 236 with serine.
Molecular consequence: missense variant.
Genome position (GRCh38, 1-based): chr2:28,788,772, A>G. VCF-style: chr2-28788772-A-G. GRCh37 (hg19) VCF-style: chr2-29011638-A-G.
Other names: c.707A>G, p.Asn236Ser (NM_206876.2); short protein forms N236S.
Identifiers: ClinVar variation 3663813 (VCV003663813.2).

ClinVar aggregate classification (germline): Uncertain significance (1 of 4 stars; one submission).

Submission:

Labcorp Genetics (formerly Invitae), Labcorp
Classification: Uncertain significance. Last evaluated: 2024-08-28. Review status: criteria provided, single submitter. Criteria: Invitae Variant Classification Sherloc (09022015). Collection method: clinical testing. Allele origin: germline.
Comment: This sequence change replaces asparagine, which is neutral and polar, with serine, which is neutral and polar, at codon 236 of the PPP1CB protein (p.Asn236Ser). This variant is not present in population databases (gnomAD no frequency). This variant has not been reported in the literature in individuals affected with PPP1CB-related conditions. Invitae Evidence Modeling of protein sequence and biophysical properties (such as structural, functional, and spatial information, amino acid conservation, physicochemical variation, residue mobility, and thermodynamic stability) indicates that this missense variant is not expected to disrupt PPP1CB protein function with a negative predictive value of 80%. In summary, the available evidence is currently insufficient to determine the role of this variant in disease. Therefore, it has been classified as a Variant of Uncertain Significance.